The following is an entry in ClinVar:

ClinVar aggregate classification (germline): Conflicting classifications of pathogenicity. Review status: criteria provided, conflicting classifications (1 of 4 stars). 2 submissions from 2 submitters: Likely pathogenic (1); Uncertain significance (1). Last evaluated 2025-12-08.

Conditions:
Dilated cardiomyopathy 1DD (CMD1DD). Identifiers: Orphanet 154, MedGen C2750995, MONDO:0013168, OMIM 613172.

Allele frequency attached by ClinVar (database versions not stated): TOPMed below 0.00001; gnomAD 0.00001.
gnomAD v4.1: 1 of 1,541,080 alleles (0.000065%); highest among the groups gnomAD compares: Non-Finnish European, 0.000088%; no homozygotes.

Submissions (2):

Labcorp Genetics (formerly Invitae), Labcorp
Classification: Likely pathogenic for Dilated cardiomyopathy 1DD. Last evaluated: 2025-12-08. Review status: criteria provided, single submitter. Criteria: Invitae Variant Classification Sherloc (09022015). Collection method: clinical testing. Allele origin: germline.
Comment: This sequence change affects an acceptor splice site in intron 8 of the RBM20 gene. It is expected to disrupt RNA splicing. Variants that disrupt the donor or acceptor splice site typically lead to a loss of protein function (PMID: 16199547), and loss-of-function variants in RBM20 are known to be pathogenic (PMID: 20590677, 22004663, 38288598, 38510713, 40339755). This variant is present in population databases (no rsID available, gnomAD 0.007%). This variant has not been reported in the literature in individuals affected with RBM20-related conditions. ClinVar contains an entry for this variant (Variation ID: 1522943). Algorithms developed to predict the effect of sequence changes on RNA splicing suggest that this variant may disrupt the consensus splice site. In summary, the currently available evidence indicates that the variant is pathogenic, but additional data are needed to prove that conclusively. Therefore, this variant has been classified as Likely Pathogenic.

Fulgent Genetics
Classification: Uncertain significance for Dilated cardiomyopathy 1DD. Last evaluated: 2021-10-02. Review status: criteria provided, single submitter. Criteria: ACMG Guidelines, 2015. Collection method: clinical testing. Allele origin: unknown.

Literature cited by the submitters: PubMed 16199547 (cited by Labcorp Genetics (formerly Invitae), Labcorp); PubMed 20590677 (cited by Labcorp Genetics (formerly Invitae), Labcorp); PubMed 22004663 (cited by Labcorp Genetics (formerly Invitae), Labcorp); PubMed 38288598 (cited by Labcorp Genetics (formerly Invitae), Labcorp); PubMed 38510713 (cited by Labcorp Genetics (formerly Invitae), Labcorp); PubMed 40339755 (cited by Labcorp Genetics (formerly Invitae), Labcorp).

NM_001134363.3(RBM20):c.1881-1G>C

Gene: RBM20 (RNA binding motif protein 20; plus strand). Cytogenetic location: 10q25.2.
Variant type: single nucleotide variant.
Coding change: c.1881-1G>C on transcript NM_001134363.3 (MANE Select); the canonical splice acceptor site of the intron before coding-DNA position 1881, G replaced by C.
Molecular consequence: splice acceptor variant.
Genome position (GRCh38, 1-based): chr10:110,812,277, G>C. VCF-style: chr10-110812277-G-C. GRCh37 (hg19) VCF-style: chr10-112572035-G-C.
Identifiers: ClinVar variation 1522943 (VCV001522943.9), dbSNP rs1424661837, ClinGen allele CA378370203.
Genomic context (GRCh38, chr10:110,812,277, plus strand): 5'-GTGGGTGGGGTGGGATGGGAGGTGTGAAGATTCTAAATCCTGCTCCTTGGCTCCCTCACA[G>C]ATATGGCCCAGAAAGGCCGCGGTCTCGTAGTCCGGTGAGCCGGTCACTCTCCCCGAGGTC-3'